The following is an entry in ClinVar:

NM_000222.3(KIT):c.533C>T (p.Ala178Val)

Gene: KIT (KIT proto-oncogene, receptor tyrosine kinase; plus strand). Cytogenetic location: 4q12.
Variant type: single nucleotide variant.
Coding change: c.533C>T on transcript NM_000222.3 (MANE Select); coding-DNA position 533, C replaced by T.
Protein change: p.Ala178Val; replaces alanine 178 with valine.
Molecular consequence: missense variant.
Genome position (GRCh38, 1-based): chr4:54,698,479, C>T. VCF-style: chr4-54698479-C-T. GRCh37 (hg19) VCF-style: chr4-55564645-C-T.
Other names: c.533C>T (NM_000222.2); c.533C>T, p.Ala178Val (NM_001093772.2, NM_001385284.1, NM_001385285.1 and 4 more transcripts); short protein forms A178V.
Identifiers: ClinVar variation 1348847 (VCV001348847.9), dbSNP rs2109674011, ClinGen allele CA356897795.

ClinVar aggregate classification (germline): Conflicting classifications of pathogenicity. Review status: criteria provided, conflicting classifications (1 of 4 stars). 2 submissions from 2 submitters: Uncertain significance (1); Likely benign (1). Last evaluated 2025-04-01.

Conditions:
Gastrointestinal stromal tumor. Also called: Gastrointestinal stroma tumor; Gastrointestinal stromal tumor, somatic. Identifiers: Orphanet 44890, MedGen C0238198, MeSH D046152, MONDO:0011719, OMIM 606764, HP:0100723.
Hereditary cancer-predisposing syndrome. Also called: Tumor predisposition; Hereditary Cancer Syndrome; Neoplastic Syndromes, Hereditary; Hereditary neoplastic syndrome. Identifiers: Orphanet 140162, MedGen C0027672, MeSH D009386, MONDO:0015356.

Submissions (2):

Ambry Genetics
Classification: Likely benign for Hereditary cancer-predisposing syndrome. Last evaluated: 2025-04-01. Review status: criteria provided, single submitter. Criteria: Ambry Variant Classification Scheme 2023. Collection method: clinical testing. Allele origin: germline.

Labcorp Genetics (formerly Invitae), Labcorp
Classification: Uncertain significance for Gastrointestinal stromal tumor. Last evaluated: 2023-07-25. Review status: criteria provided, single submitter. Criteria: Invitae Variant Classification Sherloc (09022015). Collection method: clinical testing. Allele origin: germline.
Comment: ClinVar contains an entry for this variant (Variation ID: 1348847). An algorithm developed to predict the effect of missense changes on protein structure and function (PolyPhen-2) suggests that this variant is likely to be tolerated. In summary, the available evidence is currently insufficient to determine the role of this variant in disease. Therefore, it has been classified as a Variant of Uncertain Significance. This variant has not been reported in the literature in individuals affected with KIT-related conditions. This sequence change replaces alanine, which is neutral and non-polar, with valine, which is neutral and non-polar, at codon 178 of the KIT protein (p.Ala178Val). This variant is not present in population databases (gnomAD no frequency).